The following is an entry in ClinVar:

NM_014363.6(SACS):c.8873A>G (p.Lys2958Arg)

Gene: SACS (sacsin molecular chaperone; minus strand). Cytogenetic location: 13q12.12.
Variant type: single nucleotide variant.
Coding change: c.8873A>G on transcript NM_014363.6 (MANE Select); coding-DNA position 8873, A replaced by G.
Protein change: p.Lys2958Arg; replaces lysine 2958 with arginine.
Molecular consequence: missense variant.
Genome position (GRCh38, 1-based): chr13:23,335,003, T>C on the plus strand (A>G on the coding strand, the complement: SACS is on the minus strand). VCF-style: chr13-23335003-T-C. GRCh37 (hg19) VCF-style: chr13-23909142-T-C.
Other names: c.8432A>G, p.Lys2811Arg (NM_001278055.2); short protein forms K2958R, K2811R.
Identifiers: ClinVar variation 193711 (VCV000193711.28), dbSNP rs11839380, ClinGen allele CA200741.

ClinVar aggregate classification (germline): Benign. Review status: criteria provided, multiple submitters, no conflicts (2 of 4 stars). 11 submissions from 11 submitters: Benign (8). 3 of the submissions do not count toward it. Last evaluated 2026-02-04.

Conditions:
Spastic paraplegia. Identifiers: MedGen C0037772, HP:0001258.
Hereditary spastic paraplegia. Also called: Familial spastic paraparesis. Identifiers: Orphanet 685, MedGen C0037773, MONDO:0019064. Disease mechanism: loss of function.
Charlevoix-Saguenay spastic ataxia (SACS). Also called: Spastic ataxia of Charlevoix-Saguenay; AUTOSOMAL RECESSIVE SPASTIC ATAXIA OF CHARLEVOIX-SAGUENAY; SPASTIC ATAXIA 6, AUTOSOMAL RECESSIVE. Identifiers: Orphanet 98, MedGen C1849140, MONDO:0010041, OMIM 270550.

Allele frequency attached by ClinVar (database versions not stated): 1000 Genomes Project 0.02137; TOPMed 0.02615; ESP Exome Variant Server 0.02545; 1000 Genomes Project 30x 0.02217.
gnomAD v4.1: 6,804 of 1,613,794 alleles (0.42%); highest among the groups gnomAD compares: African/African-American, 7.9%; 254 homozygotes.

Submissions (11):

Labcorp Genetics (formerly Invitae), Labcorp
Classification: Benign for Spastic paraplegia. Last evaluated: 2026-02-04. Review status: criteria provided, single submitter. Criteria: Invitae Variant Classification Sherloc (09022015). Collection method: clinical testing. Allele origin: germline.

Athena Diagnostics
Classification: Benign. Last evaluated: 2023-12-29. Review status: criteria provided, single submitter. Criteria: Athena Diagnostics Criteria. Collection method: clinical testing. Allele origin: unknown.

Genome Diagnostics Laboratory, The Hospital for Sick Children
Classification: Benign for Hereditary spastic paraplegia. Last evaluated: 2021-09-01. Review status: criteria provided, single submitter. Criteria: ACMG Guidelines, 2015. Collection method: clinical testing. Allele origin: germline. Affected: yes.

GeneDx
Classification: Benign. Last evaluated: 2019-03-21. Review status: criteria provided, single submitter. Criteria: GeneDx Variant Classification Process June 2021. Collection method: clinical testing. Allele origin: germline. Affected: yes.

Center for Pediatric Genomic Medicine, Children's Mercy Hospital and Clinics
Classification: Benign. Last evaluated: 2015-05-14. Review status: criteria provided, single submitter. Criteria: ACMG Guidelines, 2015. Collection method: clinical testing. Allele origin: germline.

Eurofins Ntd Llc (ga)
Classification: Benign. Last evaluated: 2014-09-24. Review status: criteria provided, single submitter. Criteria: EGL Classification Definitions 2015. Collection method: clinical testing. Allele origin: germline.

Breakthrough Genomics
Classification: Benign. Review status: criteria provided, single submitter. Criteria: ACMG Guidelines, 2015. Collection method: not provided. Allele origin: germline. Inheritance: Autosomal recessive inheritance. Affected: yes.

PreventionGenetics, part of Exact Sciences
Classification: Benign. Review status: criteria provided, single submitter. Criteria: ACMG Guidelines, 2015. Collection method: clinical testing. Allele origin: germline.

Natera, Inc.
Classification: Benign for Charlevoix-Saguenay type spastic ataxia. Last evaluated: 2020-09-16. Review status: no assertion criteria provided. Collection method: clinical testing. Allele origin: germline. Not counted in ClinVar's aggregate classification.

Mayo Clinic Laboratories, Mayo Clinic
Classification: Benign. Last evaluated: 2017-08-22. Review status: no assertion criteria provided. Collection method: clinical testing. Allele origin: unknown. Not counted in ClinVar's aggregate classification.

PROSPAX: an integrated multimodal progression  chart in spastic ataxias, Center for Neurology; Hertie-Institute for Clinical Brain Research
Classification: Likely pathogenic for Charlevoix-Saguenay spastic ataxia. Last evaluated: 2022-01-01. Review status: flagged submission. Criteria: ACMG Guidelines, 2015. Collection method: research. Allele origin: germline. Affected: yes. Not counted in ClinVar's aggregate classification.
ClinVar note: Reason: Outlier claim with insufficient supporting evidence

Literature cited by the submitters: PubMed 23280630 (cited by Athena Diagnostics).